The following is an entry in ClinVar:

ClinVar aggregate classification (germline): Pathogenic (1 of 4 stars; one submission).

Submission:

Labcorp Genetics (formerly Invitae), Labcorp
Classification: Pathogenic. Last evaluated: 2025-07-31. Review status: criteria provided, single submitter. Criteria: Invitae Variant Classification Sherloc (09022015). Collection method: clinical testing. Allele origin: germline.
Comment: This sequence change creates a premature translational stop signal (p.Gly236Trpfs*36) in the CTNNB1 gene. It is expected to result in an absent or disrupted protein product. Loss-of-function variants in CTNNB1 are known to be pathogenic (PMID: 23033978, 24614104, 25326669, 26350204, 28575650). This variant is not present in population databases (gnomAD no frequency). This variant has not been reported in the literature in individuals affected with CTNNB1-related conditions. For these reasons, this variant has been classified as Pathogenic.

Literature cited by the submitters: PubMed 23033978; PubMed 24614104; PubMed 25326669; PubMed 26350204; PubMed 28575650.

NM_001904.4(CTNNB1):c.701_704dup (p.Gly236fs)

Genes: CTNNB1 (catenin beta 1; plus strand), LOC126806658 (BRD4-independent group 4 enhancer GRCh37_chr3:41265899-41267098; plus strand). Cytogenetic location: 3p22.1.
Variant type: Duplication.
Coding change: c.701_704dup on transcript NM_001904.4 (MANE Select); coding-DNA positions 701 to 704, 4 bases duplicated (CTGG; older notation c.701_704dupCTGG).
Protein change: p.Gly236fs; shifts the reading frame from glycine 236.
Molecular consequence: frameshift variant.
Genome position (GRCh38, 1-based): chr3:41,225,539-41,225,542, CTGG duplicated. VCF-style (leftmost placement, unchanged base first): chr3-41225538-T-TCTGG. GRCh37 (hg19) VCF-style: chr3-41267029-T-TCTGG.
Other names: c.701_704dup, p.Gly236fs (NM_001098209.2, NM_001098210.2, NM_001438871.1 and 4 more transcripts); c.680_683dup, p.Gly229fs (NM_001330729.2); short protein forms G236fs, G229fs.
Identifiers: ClinVar variation 4724556 (VCV004724556.1).